The following is an entry in ClinVar:

NM_000340.2(SLC2A2):c.963+18C>T

Gene: SLC2A2 (solute carrier family 2 member 2; minus strand). Cytogenetic location: 3q26.2.
Variant type: single nucleotide variant.
Coding change: c.963+18C>T on transcript NM_000340.2 (MANE Select); 18 bases into the intron after coding-DNA position 963, C replaced by T.
Molecular consequence: intron variant.
Genome position (GRCh38, 1-based): chr3:171,005,267, G>A on the plus strand (C>T on the coding strand, the complement: SLC2A2 is on the minus strand). VCF-style: chr3-171005267-G-A. GRCh37 (hg19) VCF-style: chr3-170723056-G-A.
Other names: c.606+18C>T (NM_001278658.2); c.444+18C>T (NM_001278659.2).
Identifiers: ClinVar variation 510063 (VCV000510063.5), dbSNP rs752640585, ClinGen allele CA2702538.

ClinVar aggregate classification (germline): Likely benign. Review status: criteria provided, multiple submitters, no conflicts (2 of 4 stars). 2 submissions from 2 submitters: Likely benign (2). Last evaluated 2025-01-21.

Conditions:
Fanconi-Bickel syndrome (FBS). Also called: FANCONI SYNDROME WITH INTESTINAL MALABSORPTION AND GALACTOSE INTOLERANCE; HEPATIC GLYCOGENOSIS WITH AMINO ACIDURIA AND GLUCOSURIA; HEPATIC GLYCOGENOSIS WITH FANCONI NEPHROPATHY; HEPATORENAL GLYCOGENOSIS WITH RENAL FANCONI SYNDROME; PSEUDO-PHLORIZIN DIABETES; Glycogen storage disease due to GLUT2 deficiency. Identifiers: Orphanet 2088, MedGen C3495427, MONDO:0009216, OMIM 227810.

Allele frequency attached by ClinVar (database versions not stated): ExAC 0.00001; gnomAD exomes 0.00002 and 0.00014; gnomAD 0.00007 and 0.00009; TOPMed 0.00008.

Submissions (2):

Labcorp Genetics (formerly Invitae), Labcorp
Classification: Likely benign for Fanconi-Bickel syndrome. Last evaluated: 2025-01-21. Review status: criteria provided, single submitter. Criteria: Invitae Variant Classification Sherloc (09022015). Collection method: clinical testing. Allele origin: germline.

GeneDx
Classification: Likely benign. Last evaluated: 2017-06-14. Review status: criteria provided, single submitter. Criteria: GeneDx Variant Classification (06012015). Collection method: clinical testing. Allele origin: germline. Affected: yes.
Comment: This variant is considered likely benign or benign based on one or more of the following criteria: it is a conservative change, it occurs at a poorly conserved position in the protein, it is predicted to be benign by multiple in silico algorithms, and/or has population frequency not consistent with disease.